The following is an entry in ClinVar:

ClinVar aggregate classification (germline): Uncertain significance (1 of 4 stars; one submission).

Submission:

Labcorp Genetics (formerly Invitae), Labcorp
Classification: Uncertain significance. Last evaluated: 2024-04-08. Review status: criteria provided, single submitter. Criteria: Invitae Variant Classification Sherloc (09022015). Collection method: clinical testing. Allele origin: germline.
Comment: This sequence change replaces valine, which is neutral and non-polar, with alanine, which is neutral and non-polar, at codon 112 of the KIF2A protein (p.Val112Ala). This variant is not present in population databases (gnomAD no frequency). This variant has not been reported in the literature in individuals affected with KIF2A-related conditions. An algorithm developed to predict the effect of missense changes on protein structure and function (PolyPhen-2) suggests that this variant is likely to be tolerated. In summary, the available evidence is currently insufficient to determine the role of this variant in disease. Therefore, it has been classified as a Variant of Uncertain Significance.

NM_001098511.3(KIF2A):c.335T>C (p.Val112Ala)

Gene: KIF2A (kinesin family member 2A; plus strand). Cytogenetic location: 5q12.1.
Variant type: single nucleotide variant.
Coding change: c.335T>C on transcript NM_001098511.3 (MANE Select); coding-DNA position 335, T replaced by C.
Protein change: p.Val112Ala; replaces valine 112 with alanine.
Molecular consequence: missense variant.
Genome position (GRCh38, 1-based): chr5:62,352,588, T>C. VCF-style: chr5-62352588-T-C. GRCh37 (hg19) VCF-style: chr5-61648415-T-C.
Other names: c.254T>C, p.Val85Ala (NM_001243952.2); c.335T>C, p.Val112Ala (NM_001243953.2, NM_004520.5); short protein forms V112A, V85A.
Identifiers: ClinVar variation 3675938 (VCV003675938.2).